The following is an entry in ClinVar:

ClinVar aggregate classification (germline): Uncertain significance (1 of 4 stars; one submission).

Conditions:
Joubert syndrome. Also called: CEREBELLOPARENCHYMAL DISORDER IV; JOUBERT-BOLTSHAUSER SYNDROME; Familial aplasia of the vermis. Identifiers: Orphanet 475, MedGen C5979921, MONDO:0018772.
Meckel-Gruber syndrome. Also called: DYSENCEPHALIA SPLANCHNOCYSTICA; GRUBER SYNDROME; Dysencephalia splachnocystica. Identifiers: Orphanet 564, MedGen C0265215, MONDO:0018921.

Allele frequency attached by ClinVar (database versions not stated): TOPMed below 0.00001.
gnomAD v4.1: 1 of 1,613,218 alleles (0.000062%); no homozygotes.

Submission:

Labcorp Genetics (formerly Invitae), Labcorp
Classification: Uncertain significance for Joubert syndrome; Meckel-Gruber syndrome. Last evaluated: 2022-04-04. Review status: criteria provided, single submitter. Criteria: Invitae Variant Classification Sherloc (09022015). Collection method: clinical testing. Allele origin: germline.
Comment: This sequence change replaces serine, which is neutral and polar, with proline, which is neutral and non-polar, at codon 1048 of the RPGRIP1L protein (p.Ser1048Pro). This variant is not present in population databases (gnomAD no frequency). This variant has not been reported in the literature in individuals affected with RPGRIP1L-related conditions. Algorithms developed to predict the effect of missense changes on protein structure and function (SIFT, PolyPhen-2, Align-GVGD) all suggest that this variant is likely to be tolerated. In summary, the available evidence is currently insufficient to determine the role of this variant in disease. Therefore, it has been classified as a Variant of Uncertain Significance.

NM_015272.5(RPGRIP1L):c.3142T>C (p.Ser1048Pro)

Gene: RPGRIP1L (RPGRIP1 like; minus strand). Cytogenetic location: 16q12.2.
Variant type: single nucleotide variant.
Coding change: c.3142T>C on transcript NM_015272.5 (MANE Select); coding-DNA position 3142, T replaced by C.
Protein change: p.Ser1048Pro; replaces serine 1048 with proline.
Molecular consequence: missense variant.
Genome position (GRCh38, 1-based): chr16:53,637,773, A>G on the plus strand (T>C on the coding strand, the complement: RPGRIP1L is on the minus strand). VCF-style: chr16-53637773-A-G. GRCh37 (hg19) VCF-style: chr16-53671685-A-G.
Other names: c.3040T>C, p.Ser1014Pro (NM_001127897.4, NM_001330538.2); c.3142T>C, p.Ser1048Pro (NM_001308334.3); short protein forms S1014P, S1048P.
Identifiers: ClinVar variation 1962702 (VCV001962702.2), dbSNP rs1965930595, ClinGen allele CA395926292.